The following is an entry in ClinVar:

ClinVar aggregate classification (germline): Conflicting classifications of pathogenicity. Review status: criteria provided, conflicting classifications (1 of 4 stars). 5 submissions from 5 submitters: Uncertain significance (3); Likely benign (1). 1 of the submissions does not count toward it. Last evaluated 2025-01-02.

Conditions:
Hereditary cancer-predisposing syndrome. Also called: Hereditary Cancer Syndrome; Hereditary neoplastic syndrome; Neoplastic Syndromes, Hereditary; Tumor predisposition. Identifiers: Orphanet 140162, MedGen C0027672, MeSH D009386, MONDO:0015356.
Bloom syndrome (BLM). Also called: Bloom-Torre-Machacek syndrome. Identifiers: Orphanet 125, MedGen C0005859, MONDO:0008876, OMIM 210900.

Allele frequency attached by ClinVar (database versions not stated): TOPMed below 0.00001; gnomAD 0.00001 and 0.00003; ExAC 0.00002; gnomAD exomes 0.00003 and 0.00004.
gnomAD v4.1: 46 of 1,612,270 alleles (0.0029%); highest among the groups gnomAD compares: South Asian, 0.029%; no homozygotes.

Submissions (5):

Quest Diagnostics Nichols Institute San Juan Capistrano
Classification: Uncertain significance. Last evaluated: 2025-01-02. Review status: criteria provided, single submitter. Criteria: Quest Diagnostics criteria. Collection method: clinical testing. Allele origin: unknown.
Comment: The BLM c.2161G>A (p.Val721Ile) variant has not been reported in individuals with BLM-related conditions in the published literature. The frequency of this variant in the general population (Genome Aggregation Database) is uninformative in the assessment of its pathogenicity. Analysis of this variant using bioinformatics tools for the prediction of the effect of amino acid changes on protein structure and function yielded predictions that this variant is benign. Based on the available information, we are unable to determine the clinical significance of this variant.

Labcorp Genetics (formerly Invitae), Labcorp
Classification: Uncertain significance for Bloom syndrome. Last evaluated: 2024-12-18. Review status: criteria provided, single submitter. Criteria: Invitae Variant Classification Sherloc (09022015). Collection method: clinical testing. Allele origin: germline.
Comment: This sequence change replaces valine, which is neutral and non-polar, with isoleucine, which is neutral and non-polar, at codon 721 of the BLM protein (p.Val721Ile). This variant is present in population databases (rs559554788, gnomAD 0.04%). This variant has not been reported in the literature in individuals affected with BLM-related conditions. ClinVar contains an entry for this variant (Variation ID: 454096). Invitae Evidence Modeling of protein sequence and biophysical properties (such as structural, functional, and spatial information, amino acid conservation, physicochemical variation, residue mobility, and thermodynamic stability) indicates that this missense variant is not expected to disrupt BLM protein function with a negative predictive value of 80%. In summary, the available evidence is currently insufficient to determine the role of this variant in disease. Therefore, it has been classified as a Variant of Uncertain Significance.

GeneDx
Classification: Uncertain significance. Last evaluated: 2024-09-11. Review status: criteria provided, single submitter. Criteria: GeneDx Variant Classification Process June 2021. Collection method: clinical testing. Allele origin: germline. Affected: yes.
Comment: In silico analysis indicates that this missense variant does not alter protein structure/function; Has not been previously published as pathogenic or benign to our knowledge

Ambry Genetics
Classification: Likely benign for Hereditary cancer-predisposing syndrome. Last evaluated: 2024-03-14. Review status: criteria provided, single submitter. Criteria: Ambry Variant Classification Scheme 2023. Collection method: clinical testing. Allele origin: germline.

Natera, Inc.
Classification: Uncertain significance for Bloom syndrome. Last evaluated: 2020-09-16. Review status: no assertion criteria provided. Collection method: clinical testing. Allele origin: germline. Not counted in ClinVar's aggregate classification.

NM_000057.4(BLM):c.2161G>A (p.Val721Ile)

Gene: BLM (BLM RecQ like helicase; plus strand). Cytogenetic location: 15q26.1.
Variant type: single nucleotide variant.
Coding change: c.2161G>A on transcript NM_000057.4 (MANE Select); coding-DNA position 2161, G replaced by A.
Protein change: p.Val721Ile; replaces valine 721 with isoleucine.
Molecular consequence: missense variant.
Genome position (GRCh38, 1-based): chr15:90,765,382, G>A. VCF-style: chr15-90765382-G-A. GRCh37 (hg19) VCF-style: chr15-91308612-G-A.
Other names: c.2161G>A, p.Val721Ile (NM_001287246.2, NM_001287247.2); c.1036G>A, p.Val346Ile (NM_001287248.2); short protein forms V721I, V346I.
Identifiers: ClinVar variation 454096 (VCV000454096.14), dbSNP rs559554788, ClinGen allele CA7738669.